The following is an entry in ClinVar:

ClinVar aggregate classification (germline): Uncertain significance (1 of 4 stars; one submission).

Conditions:
Bardet-Biedl syndrome (BBS). Identifiers: Orphanet 110, MedGen C0752166, MONDO:0015229.

Submission:

Labcorp Genetics (formerly Invitae), Labcorp
Classification: Uncertain significance for Bardet-Biedl syndrome. Last evaluated: 2022-03-31. Review status: criteria provided, single submitter. Criteria: Invitae Variant Classification Sherloc (09022015). Collection method: clinical testing. Allele origin: germline.
Comment: This sequence change falls in intron 9 of the BBS9 gene. It does not directly change the encoded amino acid sequence of the BBS9 protein. It affects a nucleotide within the consensus splice site. This variant is not present in population databases (gnomAD no frequency). This variant has not been reported in the literature in individuals affected with BBS9-related conditions. Variants that disrupt the consensus splice site are a relatively common cause of aberrant splicing (PMID: 17576681, 9536098). Algorithms developed to predict the effect of sequence changes on RNA splicing suggest that this variant may disrupt the consensus splice site. In summary, the available evidence is currently insufficient to determine the role of this variant in disease. Therefore, it has been classified as a Variant of Uncertain Significance.

Literature cited by the submitters: PubMed 17576681; PubMed 9536098.

NM_198428.3(BBS9):c.1016+2dup

Gene: BBS9 (Bardet-Biedl syndrome 9; plus strand). Cytogenetic location: 7p14.3.
Variant type: Duplication.
Coding change: c.1016+2dup on transcript NM_198428.3 (MANE Select); the canonical splice donor site of the intron after coding-DNA position 1016, one base duplicated (T; older notation c.1016+2dupT).
Molecular consequence: splice donor variant.
Genome position (GRCh38, 1-based): chr7:33,273,958, T duplicated. VCF-style (leftmost placement, unchanged base first): chr7-33273957-G-GT. GRCh37 (hg19) VCF-style: chr7-33313569-G-GT.
Other names: c.1016+2dup (NM_001348036.1, NM_001362679.1, NM_001348041.4 and 5 more transcripts); c.743+2dup (NM_001348038.3, NM_001348039.3); c.650+2dup (NM_001348037.3, NM_001348045.3, NM_001348046.3 and 1 more transcripts); c.881+2dup (NM_001348042.3).
Identifiers: ClinVar variation 2119969 (VCV002119969.4), dbSNP rs2535217722, ClinGen allele CA2580077066.